The following is an entry in ClinVar:

ClinVar aggregate classification (germline): Uncertain significance. Review status: criteria provided, multiple submitters, no conflicts (2 of 4 stars). 2 submissions from 2 submitters: Uncertain significance (2). Last evaluated 2025-01-19.

Conditions:
Inborn genetic diseases. Identifiers: MedGen C0950123, MeSH D030342.

Allele frequency attached by ClinVar (database versions not stated): gnomAD exomes below 0.00001; TOPMed 0.00001.

Submissions (2):

Ambry Genetics
Classification: Uncertain significance for Inborn genetic diseases. Last evaluated: 2025-01-19. Review status: criteria provided, single submitter. Criteria: Ambry Variant Classification Scheme 2023. Collection method: clinical testing. Allele origin: germline.

GeneDx
Classification: Uncertain significance. Last evaluated: 2023-02-06. Review status: criteria provided, single submitter. Criteria: GeneDx Variant Classification Process June 2021. Collection method: clinical testing. Allele origin: germline. Affected: yes.
Comment: Not observed at significant frequency in large population cohorts (gnomAD); In silico analysis supports that this missense variant has a deleterious effect on protein structure/function; Has not been previously published as pathogenic or benign to our knowledge

NM_000019.4(ACAT1):c.256G>A (p.Val86Met)

Gene: ACAT1 (acetyl-CoA acetyltransferase 1; plus strand). Cytogenetic location: 11q22.3.
Variant type: single nucleotide variant.
Coding change: c.256G>A on transcript NM_000019.4 (MANE Select); coding-DNA position 256, G replaced by A.
Protein change: p.Val86Met; replaces valine 86 with methionine.
Molecular consequence: missense variant. On other transcripts: 5 prime UTR variant (10), non-coding transcript variant (2), intron variant (1).
Genome position (GRCh38, 1-based): chr11:108,134,238, G>A. VCF-style: chr11-108134238-G-A. GRCh37 (hg19) VCF-style: chr11-108004965-G-A.
Other names: c.-15G>A (NM_001386689.1, NM_001386690.1, NM_001386691.1 and 6 more transcripts); c.120+2284G>A (NM_001386678.1); c.256G>A, p.Val86Met (NM_001386677.1); c.-22G>A (NM_001386679.1); short protein forms V86M.
Identifiers: ClinVar variation 2574943 (VCV002574943.2), dbSNP rs1235436246, ClinGen allele CA382506496.
Genomic context (GRCh38, chr11:108,134,238, plus strand): 5'-ATTGAATTAAATGCCTTTTTGACTTTTTTTTTTTTTAATAAAGGGATTCCAAAAGAAGAA[G>A]TGAAAGAAGCATACATGGGTAATGTTCTACAAGGAGGTGAAGGACAAGCTCCTACAAGGC-3'
Protein context (NP_000010.1, residues 76-96): IEKAGIPKEE[Val86Met]KEAYMGNVLQ